The following is an entry in ClinVar:

ClinVar aggregate classification (germline): Uncertain significance (1 of 4 stars; one submission).

Submission:

GeneDx
Classification: Uncertain significance. Last evaluated: 2025-06-23. Review status: criteria provided, single submitter. Criteria: GeneDx Variant Classification Process June 2021. Collection method: clinical testing. Allele origin: germline. Affected: yes.
Comment: Not observed at significant frequency in large population cohorts (gnomAD); In silico analysis supports that this missense variant has a deleterious effect on protein structure/function; Has not been previously published as pathogenic or benign to our knowledge

NM_014847.4(UBAP2L):c.1592A>G (p.Asp531Gly)

Gene: UBAP2L (ubiquitin associated protein 2 like; plus strand). Cytogenetic location: 1q21.3.
Variant type: single nucleotide variant.
Coding change: c.1592A>G on transcript NM_014847.4 (MANE Select); coding-DNA position 1592, A replaced by G.
Protein change: p.Asp531Gly; replaces aspartic acid 531 with glycine.
Molecular consequence: missense variant.
Genome position (GRCh38, 1-based): chr1:154,251,581, A>G. VCF-style: chr1-154251581-A-G. GRCh37 (hg19) VCF-style: chr1-154224057-A-G.
Other names: c.1592A>G, p.Asp531Gly (NM_001127320.3, NM_001375614.1, NM_001375615.1 and 14 more transcripts); c.1571A>G, p.Asp524Gly (NM_001287815.1); c.1625A>G, p.Asp542Gly (NM_001287816.1, NM_001330730.1, NM_001375612.1 and 2 more transcripts); short protein forms D524G, D531G, D542G.
Identifiers: ClinVar variation 4540278 (VCV004540278.1).